The following is an entry in ClinVar:

ClinVar aggregate classification (germline): Uncertain significance. Review status: criteria provided, multiple submitters, no conflicts (2 of 4 stars). 2 submissions from 2 submitters: Uncertain significance (2). Last evaluated 2024-06-13.

Conditions:
Epileptic encephalopathy. Identifiers: MedGen C0543888, HP:0200134.

Allele frequency attached by ClinVar (database versions not stated): TOPMed 0.00001.

Submissions (2):

Labcorp Genetics (formerly Invitae), Labcorp
Classification: Uncertain significance for Epileptic encephalopathy. Last evaluated: 2024-06-13. Review status: criteria provided, single submitter. Criteria: Invitae Variant Classification Sherloc (09022015). Collection method: clinical testing. Allele origin: germline.
Comment: This sequence change replaces threonine, which is neutral and polar, with isoleucine, which is neutral and non-polar, at codon 976 of the FASN protein (p.Thr976Ile). This variant is not present in population databases (gnomAD no frequency). This variant has not been reported in the literature in individuals affected with FASN-related conditions. Algorithms developed to predict the effect of missense changes on protein structure and function output the following: SIFT: "Not Available"; PolyPhen-2: "Benign"; Align-GVGD: "Not Available". The isoleucine amino acid residue is found in multiple mammalian species, which suggests that this missense change does not adversely affect protein function. In summary, the available evidence is currently insufficient to determine the role of this variant in disease. Therefore, it has been classified as a Variant of Uncertain Significance.

Ambry Genetics
Classification: Uncertain significance. Last evaluated: 2023-12-22. Review status: criteria provided, single submitter. Criteria: Ambry Variant Classification Scheme 2023. Collection method: clinical testing. Allele origin: germline.

NM_004104.5(FASN):c.2927C>T (p.Thr976Ile)

Gene: FASN (fatty acid synthase; minus strand). Cytogenetic location: 17q25.3.
Variant type: single nucleotide variant.
Coding change: c.2927C>T on transcript NM_004104.5 (MANE Select); coding-DNA position 2927, C replaced by T.
Protein change: p.Thr976Ile; replaces threonine 976 with isoleucine.
Molecular consequence: missense variant.
Genome position (GRCh38, 1-based): chr17:82,087,801, G>A on the plus strand (C>T on the coding strand, the complement: FASN is on the minus strand). VCF-style: chr17-82087801-G-A. GRCh37 (hg19) VCF-style: chr17-80045677-G-A.
Other names: short protein forms T976I.
Identifiers: ClinVar variation 3092936 (VCV003092936.3), dbSNP rs775079554, ClinGen allele CA401555453.